The following is an entry in ClinVar:

ClinVar aggregate classification (germline): Pathogenic (1 of 4 stars; one submission).

Submission:

Labcorp Genetics (formerly Invitae), Labcorp
Classification: Pathogenic. Last evaluated: 2018-12-17. Review status: criteria provided, single submitter. Criteria: Invitae Variant Classification Sherloc (09022015). Collection method: clinical testing. Allele origin: germline.
Comment: This variant results in a copy number gain of the genomic region encompassing exon 3 of the PRKN gene. While the exact position of this variant cannot be determined from this data, sub-genic copy number gains are generally in tandem (PMID: 25640679) and may result in an absent or disrupted protein product. This variant has been observed to be homozygous or in combination with another Pathogenic PRKN variant in individuals affected with clinical features of PRKN-related early-onset Parkinson's disease (PMID: 10824074, Invitae). Loss-of-function variants in PRKN are known to be pathogenic (PMID: 10072423, 20301651, 22956510). For these reasons, this variant has been classified as Pathogenic.

Literature cited by the submitters: PubMed 10824074.

NC_000006.11:g.(?_162683547)_(162683807_?)dup

Gene: PRKN (parkin RBR E3 ubiquitin protein ligase; minus strand). Cytogenetic location: 6q26.
Variant type: Duplication.
Identifiers: ClinVar variation 643720 (VCV000643720.1).